The following is an entry in ClinVar:

ClinVar aggregate classification (germline): Likely benign. Review status: criteria provided, multiple submitters, no conflicts (2 of 4 stars). 2 submissions from 2 submitters: Likely benign (2). Last evaluated 2024-06-09.

Conditions:
Long QT syndrome (LQTS). Identifiers: MedGen C0023976, MeSH D008133, MONDO:0002442. Disease mechanism: loss of function. Inheritance: Various modes of inheritance.
Cardiac arrhythmia. Also called: Arrhythmia; Cardiac rhythm disease. Identifiers: MedGen C0003811, MONDO:0007263, HP:0011675.

gnomAD v4.1: 1 of 1,610,286 alleles (0.000062%); no homozygotes.

Submissions (2):

All of Us Research Program, National Institutes of Health
Classification: Likely benign for Long QT syndrome. Last evaluated: 2024-06-09. Review status: criteria provided, single submitter. Criteria: ACMG Guidelines, 2015. Collection method: clinical testing. Allele origin: germline. Inheritance: Autosomal dominant inheritance. Observed: 1 variant allele, 1 heterozygote.
Comment: This study involves interpretation of variants in research participants for the purpose of population health screening. Participant phenotype was not available at the time of variant classification. Additional details can be found in publication PMID: 35346344, PMCID: PMC8962531

Color Diagnostics, LLC DBA Color Health
Classification: Likely benign for Cardiac arrhythmia. Last evaluated: 2024-05-28. Review status: criteria provided, single submitter. Criteria: ACMG Guidelines, 2015. Collection method: clinical testing. Allele origin: germline.

NM_000238.4(KCNH2):c.2146-15C>A

Gene: KCNH2 (potassium voltage-gated channel subfamily H member 2; minus strand). Cytogenetic location: 7q36.1.
Variant type: single nucleotide variant.
Coding change: c.2146-15C>A on transcript NM_000238.4 (MANE Select); 15 bases into the intron before coding-DNA position 2146, C replaced by A.
Molecular consequence: intron variant.
Genome position (GRCh38, 1-based): chr7:150,950,435, G>T on the plus strand (C>A on the coding strand, the complement: KCNH2 is on the minus strand). VCF-style: chr7-150950435-G-T. GRCh37 (hg19) VCF-style: chr7-150647523-G-T.
Other names: c.1858-15C>A (NM_001406753.1, NM_001406756.1); c.1126-15C>A (NM_172057.3, NM_001204798.2); c.2146-15C>A (NM_172056.3); c.1969-15C>A (NM_001406755.1); c.1846-15C>A (NM_001406757.1).
Identifiers: ClinVar variation 3386897 (VCV003386897.2).